The following is an entry in ClinVar:

NM_004329.3(BMPR1A):c.1032C>G (p.His344Gln)

Gene: BMPR1A (bone morphogenetic protein receptor type 1A; plus strand). Cytogenetic location: 10q23.2.
Variant type: single nucleotide variant.
Coding change: c.1032C>G on transcript NM_004329.3 (MANE Select); coding-DNA position 1032, C replaced by G.
Protein change: p.His344Gln; replaces histidine 344 with glutamine.
Molecular consequence: missense variant.
Genome position (GRCh38, 1-based): chr10:86,919,335, C>G. VCF-style: chr10-86919335-C-G. GRCh37 (hg19) VCF-style: chr10-88679092-C-G.
Other names: c.1107C>G, p.His369Gln (NM_001406559.1); c.1080C>G, p.His360Gln (NM_001406560.1); c.1032C>G, p.His344Gln (NM_001406561.1, NM_001406562.1, NM_001406563.1 and 19 more transcripts); c.1026C>G, p.His342Gln (NM_001406583.1); c.948C>G, p.His316Gln (NM_001406584.1, NM_001406585.1, NM_001406586.1 and 2 more transcripts); c.690C>G, p.His230Gln (NM_001406589.1); short protein forms H316Q, H342Q, H344Q, H360Q, H369Q, H230Q.
Identifiers: ClinVar variation 1771511 (VCV001771511.2), dbSNP rs1589291699, ClinGen allele CA377460643.

ClinVar aggregate classification (germline): Uncertain significance (1 of 4 stars; one submission).

Conditions:
Hereditary cancer-predisposing syndrome. Also called: Hereditary Cancer Syndrome; Hereditary neoplastic syndrome; Neoplastic Syndromes, Hereditary; Tumor predisposition. Identifiers: Orphanet 140162, MedGen C0027672, MeSH D009386, MONDO:0015356.

Submission:

Ambry Genetics
Classification: Uncertain significance for Hereditary cancer-predisposing syndrome. Last evaluated: 2021-08-13. Review status: criteria provided, single submitter. Criteria: Ambry Variant Classification Scheme 2023. Collection method: clinical testing. Allele origin: germline.
Comment: The p.H344Q variant (also known as c.1032C>G), located in coding exon 8 of the BMPR1A gene, results from a C to G substitution at nucleotide position 1032. The histidine at codon 344 is replaced by glutamine, an amino acid with highly similar properties. This amino acid position is highly conserved in available vertebrate species. In addition, this alteration is predicted to be deleterious by in silico analysis. Since supporting evidence is limited at this time, the clinical significance of this alteration remains unclear.